The following is an entry in ClinVar:

ClinVar aggregate classification (germline): Pathogenic (1 of 4 stars; one submission).

Conditions:
Proximal myopathy with extrapyramidal signs. Also called: Myopathy with extrapyramidal signs. Identifiers: Orphanet 401768, MedGen C3810285, MONDO:0014300, OMIM 615673.

Submission:

Laboratory of Functional Genomics, Research Centre for Medical Genetics
Classification: Pathogenic for Proximal myopathy with extrapyramidal signs. Last evaluated: 2022-08-01. Review status: criteria provided, single submitter. Criteria: ACMG Guidelines, 2015. Collection method: clinical testing. Allele origin: biparental. Inheritance: Autosomal recessive inheritance. Affected: yes. Observed: 1 homozygote.
Comment: The variant g.(?_74326370)_(74326571_?)del in MICU1 gene could be classified as pathogenic variant according to ACMG criteria (PM2, PVS1, PM3). This variant is absent from large population studies. Variant led to deletion of exon 2 and loss of start codon in MICU1 gene.

NM_001195518.2:g.(?_74326370)_(74326571_?)del

Gene: MICU1 (mitochondrial calcium uptake 1; minus strand).
Variant type: Deletion.
Identifiers: ClinVar variation 1699954 (VCV001699954.3).